The following is an entry in ClinVar:

ClinVar aggregate classification (germline): Uncertain significance (1 of 4 stars; one submission).

Conditions:
Osteogenesis imperfecta type 8 (OI8). Identifiers: MedGen C1970458, MONDO:0012581, OMIM 610915.

Allele frequency attached by ClinVar (database versions not stated): gnomAD exomes below 0.00001.
gnomAD v4.1: 1 of 1,614,208 alleles (0.000062%); highest among the groups gnomAD compares: Non-Finnish European, 0.000085%; no homozygotes.

Submission:

Labcorp Genetics (formerly Invitae), Labcorp
Classification: Uncertain significance for Osteogenesis imperfecta type 8. Last evaluated: 2022-06-22. Review status: criteria provided, single submitter. Criteria: Invitae Variant Classification Sherloc (09022015). Collection method: clinical testing. Allele origin: germline.
Comment: This sequence change replaces glutamic acid, which is acidic and polar, with aspartic acid, which is acidic and polar, at codon 427 of the P3H1 protein (p.Glu427Asp). This variant has not been reported in the literature in individuals affected with P3H1-related conditions. In summary, the available evidence is currently insufficient to determine the role of this variant in disease. Therefore, it has been classified as a Variant of Uncertain Significance. Algorithms developed to predict the effect of missense changes on protein structure and function are either unavailable or do not agree on the potential impact of this missense change (SIFT: "Deleterious"; PolyPhen-2: "Benign"; Align-GVGD: "Class C0"). This variant is not present in population databases (gnomAD no frequency).

NM_022356.4(P3H1):c.1281A>T (p.Glu427Asp)

Gene: P3H1 (prolyl 3-hydroxylase 1; minus strand). Cytogenetic location: 1p34.2.
Variant type: single nucleotide variant.
Coding change: c.1281A>T on transcript NM_022356.4 (MANE Select); coding-DNA position 1281, A replaced by T.
Protein change: p.Glu427Asp; replaces glutamic acid 427 with aspartic acid.
Molecular consequence: missense variant.
Genome position (GRCh38, 1-based): chr1:42,754,933, T>A on the plus strand (A>T on the coding strand, the complement: P3H1 is on the minus strand). VCF-style: chr1-42754933-T-A. GRCh37 (hg19) VCF-style: chr1-43220604-T-A.
Other names: c.1281A>T, p.Glu427Asp (NM_001146289.2, NM_001243246.2); short protein forms E427D.
Identifiers: ClinVar variation 2009406 (VCV002009406.4), dbSNP rs2524450276, ClinGen allele CA339957706.
Genomic context (GRCh38, chr1:42,754,933, plus strand): 5'-CCGGGTCAGTCTGCTCACATCCAGTGACTCCTTGGTCTTCTCTTCCACAAGGGTCTCGAT[T>A]TCCTTCATAAGGTTCCCAATCTCCTGGGAGATGCGTACGGCTGTTTCCCGTTCTGACCTA-3'
Protein context (NP_071751.3, residues 417-437): ISQEIGNLMK[Glu427Asp]IETLVEEKTK